The following is an entry in ClinVar:

NM_007286.6(SYNPO):c.569G>A (p.Ser190Asn)

Gene: SYNPO (synaptopodin; plus strand). Cytogenetic location: 5q33.1.
Variant type: single nucleotide variant.
Coding change: c.569G>A on transcript NM_007286.6 (MANE Select); coding-DNA position 569, G replaced by A.
Protein change: p.Ser190Asn; replaces serine 190 with asparagine.
Molecular consequence: missense variant.
Genome position (GRCh38, 1-based): chr5:150,648,844, G>A. VCF-style: chr5-150648844-G-A. GRCh37 (hg19) VCF-style: chr5-150028406-G-A.
Other names: c.569G>A, p.Ser190Asn (NM_001109974.3); c.1301G>A, p.Ser434Asn (NM_001166208.2, NM_001166209.2); short protein forms S434N, S190N.
Identifiers: ClinVar variation 2153985 (VCV002153985.4), dbSNP rs769889153, ClinGen allele CA3513247.

ClinVar aggregate classification (germline): Uncertain significance (1 of 4 stars; one submission).

Allele frequency attached by ClinVar (database versions not stated): gnomAD 0.00001; ExAC 0.00002; TOPMed 0.00002.
gnomAD v4.1: 22 of 1,614,026 alleles (0.0014%); highest among the groups gnomAD compares: Non-Finnish European, 0.0017%; no homozygotes.

Submission:

Labcorp Genetics (formerly Invitae), Labcorp
Classification: Uncertain significance. Last evaluated: 2022-11-16. Review status: criteria provided, single submitter. Criteria: Invitae Variant Classification Sherloc (09022015). Collection method: clinical testing. Allele origin: germline.
Comment: In summary, the available evidence is currently insufficient to determine the role of this variant in disease. Therefore, it has been classified as a Variant of Uncertain Significance. Algorithms developed to predict the effect of missense changes on protein structure and function (SIFT, PolyPhen-2, Align-GVGD) all suggest that this variant is likely to be disruptive. This variant has not been reported in the literature in individuals affected with SYNPO-related conditions. This variant is present in population databases (rs769889153, gnomAD 0.004%). This sequence change replaces serine, which is neutral and polar, with asparagine, which is neutral and polar, at codon 190 of the SYNPO protein (p.Ser190Asn).